The following is an entry in ClinVar:

NM_000081.4(LYST):c.6216A>G (p.Val2072=)

Gene: LYST (lysosomal trafficking regulator; minus strand). Cytogenetic location: 1q42.3.
Variant type: single nucleotide variant.
Coding change: c.6216A>G on transcript NM_000081.4 (MANE Select); coding-DNA position 6216, A replaced by G.
Protein change: p.Val2072=; no amino-acid change (valine 2072 retained).
Molecular consequence: synonymous variant.
Genome position (GRCh38, 1-based): chr1:235,762,757, T>C on the plus strand (A>G on the coding strand, the complement: LYST is on the minus strand). VCF-style: chr1-235762757-T-C. GRCh37 (hg19) VCF-style: chr1-235926057-T-C.
Other names: p.Val2072=; c.6216A>G, p.Val2072= (NM_001301365.1).
Identifiers: ClinVar variation 707704 (VCV000707704.21), dbSNP rs371248013, ClinGen allele CA1466420.

ClinVar aggregate classification (germline): Conflicting classifications of pathogenicity. Review status: criteria provided, conflicting classifications (1 of 4 stars). 8 submissions from 8 submitters: Uncertain significance (1); Benign (4); Likely benign (1). 2 of the submissions do not count toward it. Last evaluated 2026-02-02.

Conditions:
Chédiak-Higashi syndrome (CHS). Also called: Chediak-Higashi Syndrome. Identifiers: Orphanet 167, MedGen C0007965, MONDO:0008963, OMIM 214500.
Autoinflammatory syndrome. Identifiers: Orphanet 93665, MedGen C3890737, MONDO:0019751.

Allele frequency attached by ClinVar (database versions not stated): gnomAD 0.00001 and 0.00070; ESP Exome Variant Server 0.00008; TOPMed 0.00009; gnomAD exomes 0.00096 and 0.00198; ExAC 0.00219; 1000 Genomes Project 30x 0.00453; 1000 Genomes Project 0.00459.
gnomAD v4.1: 1,513 of 1,613,332 alleles (0.094%); highest among the groups gnomAD compares: South Asian, 1.6%; 17 homozygotes.

Submissions (8):

Labcorp Genetics (formerly Invitae), Labcorp
Classification: Benign for Chédiak-Higashi syndrome. Last evaluated: 2026-02-02. Review status: criteria provided, single submitter. Criteria: Invitae Variant Classification Sherloc (09022015). Collection method: clinical testing. Allele origin: germline.

Blueprint Genetics
Classification: Likely benign. Last evaluated: 2024-11-22. Review status: criteria provided, single submitter. Criteria: ACMG Guidelines, 2015. Collection method: clinical testing. Allele origin: germline.

Mayo Clinic Laboratories, Mayo Clinic
Classification: Benign. Last evaluated: 2023-10-24. Review status: criteria provided, single submitter. Criteria: ACMG Guidelines, 2015. Collection method: clinical testing. Allele origin: germline. Observed: 3 variant alleles.
Comment: BS1, BS2

Genome Diagnostics Laboratory, The Hospital for Sick Children
Classification: Uncertain significance for Autoinflammatory syndrome. Last evaluated: 2022-02-22. Review status: criteria provided, single submitter. Criteria: ACMG Guidelines, 2015. Collection method: clinical testing. Allele origin: germline. Affected: yes.

Illumina Laboratory Services, Illumina
Classification: Benign for Chédiak-Higashi syndrome. Last evaluated: 2018-01-13. Review status: criteria provided, single submitter. Criteria: ICSL Variant Classification Criteria 13 December 2019. Collection method: clinical testing. Allele origin: germline.
Comment: This variant was observed in the ICSL laboratory as part of a predisposition screen in an ostensibly healthy population. It had not been previously curated by ICSL or reported in the Human Gene Mutation Database (HGMD: prior to June 1st, 2018), and was therefore a candidate for classification through an automated scoring system. Utilizing variant allele frequency, disease prevalence and penetrance estimates, and inheritance mode, an automated score was calculated to assess if this variant is too frequent to cause the disease. Based on the score and internal cut-off values, a variant classified as benign is not then subjected to further curation. The score for this variant resulted in a classification of benign for this disease.

Breakthrough Genomics
Classification: Benign. Review status: criteria provided, single submitter. Criteria: ACMG Guidelines, 2015. Collection method: not provided. Allele origin: germline. Inheritance: Autosomal recessive inheritance. Affected: yes.

Genome Diagnostics Laboratory, University Medical Center Utrecht
Classification: Likely benign. Review status: no assertion criteria provided. Collection method: clinical testing. Allele origin: germline. Affected: yes. Study: VKGL Data-share Consensus. Not counted in ClinVar's aggregate classification.

Laboratory of Diagnostic Genome Analysis, Leiden University Medical Center (LUMC)
Classification: Likely benign. Review status: no assertion criteria provided. Collection method: clinical testing. Allele origin: germline. Affected: yes. Study: VKGL Data-share Consensus. Not counted in ClinVar's aggregate classification.